The following is an entry in ClinVar:

ClinVar aggregate classification (germline): Uncertain significance (1 of 4 stars; one submission).

Conditions:
Fanconi anemia complementation group O. Also called: RAD51C-Related Fanconi Anemia. Identifiers: Orphanet 84, MedGen C3150653, MONDO:0013248, OMIM 613390.

Submission:

Labcorp Genetics (formerly Invitae), Labcorp
Classification: Uncertain significance for Fanconi anemia complementation group O. Last evaluated: 2019-12-05. Review status: criteria provided, single submitter. Criteria: Invitae Variant Classification Sherloc (09022015). Collection method: clinical testing. Allele origin: germline.
Comment: This sequence change replaces serine with arginine at codon 364 of the RAD51C protein (p.Ser364Arg). The serine residue is weakly conserved and there is a moderate physicochemical difference between serine and arginine. This variant is not present in population databases (ExAC no frequency). This variant has not been reported in the literature in individuals with RAD51C-related conditions. ClinVar contains an entry for this variant (Variation ID: 568021). Algorithms developed to predict the effect of missense changes on protein structure and function are either unavailable or do not agree on the potential impact of this missense change (SIFT: "Deleterious"; PolyPhen-2: "Benign"; Align-GVGD: "Class C0"). In summary, the available evidence is currently insufficient to determine the role of this variant in disease. Therefore, it has been classified as a Variant of Uncertain Significance.

NM_058216.3(RAD51C):c.1090A>C (p.Ser364Arg)

Gene: RAD51C (RAD51 paralog C; plus strand). Cytogenetic location: 17q22.
Variant type: single nucleotide variant.
Coding change: c.1090A>C on transcript NM_058216.3 (MANE Select); coding-DNA position 1090, A replaced by C.
Protein change: p.Ser364Arg; replaces serine 364 with arginine.
Molecular consequence: missense variant. On other transcripts: non-coding transcript variant (1).
Genome position (GRCh38, 1-based): chr17:58,734,181, A>C. VCF-style: chr17-58734181-A-C. GRCh37 (hg19) VCF-style: chr17-56811542-A-C.
Other names: short protein forms S364R.
Identifiers: ClinVar variation 568021 (VCV000568021.10), dbSNP rs587782565, ClinGen allele CA400366403.